The following is an entry in ClinVar:

ClinVar aggregate classification (germline): Likely pathogenic. Review status: criteria provided, multiple submitters, no conflicts (2 of 4 stars). 2 submissions from 2 submitters: Likely pathogenic (2). Last evaluated 2024-05-07.

Conditions:
Leigh syndrome (NULS). Also called: Leigh's syndrome; Leigh Disease; Subacute necrotizing encephalopathy; Necrotizing encephalopathy infantile subacute of Leigh; LEIGH SYNDROME, NUCLEAR; Leigh's necrotizing encephalopathy. Identifiers: Orphanet 506, MedGen C2931891, MONDO:0009723, OMIM 256000.

Submissions (2):

Women's Health and Genetics/Laboratory Corporation of America, LabCorp
Classification: Likely pathogenic for Leigh syndrome. Last evaluated: 2024-05-07. Review status: criteria provided, single submitter. Criteria: LabCorp Variant Classification Summary - May 2015. Collection method: clinical testing. Allele origin: germline.
Comment: Variant summary: SURF1 c.530T>G (p.Val177Gly) results in a non-conservative amino acid change in the encoded protein sequence. Five of five in-silico tools predict a damaging effect of the variant on protein function. The variant was absent in 247740 control chromosomes. c.530T>G has been reported in the literature as a homozygous and as a compound heterozygous genotype in at-least two individuals affected with Leigh Syndrome (Yuksel_2006, Lee_2012). These data indicate that the variant is likely to be associated with disease. To our knowledge, no experimental evidence demonstrating an impact on protein function has been reported. However, iPSC-based model of Leigh syndrome with this variant have demonstrated consistent findings (example, Inak_2021). The following publications have been ascertained in the context of this evaluation (PMID: 33771987, 22488715, 29933018, 16765830). No submitters have cited clinical-significance assessments for this variant to ClinVar. Based on the evidence outlined above, the variant was classified as likely pathogenic.

Labcorp Genetics (formerly Invitae), Labcorp
Classification: Likely pathogenic for Leigh syndrome. Last evaluated: 2024-03-13. Review status: criteria provided, single submitter. Criteria: Invitae Variant Classification Sherloc (09022015). Collection method: clinical testing. Allele origin: germline.
Comment: This sequence change replaces valine, which is neutral and non-polar, with glycine, which is neutral and non-polar, at codon 177 of the SURF1 protein (p.Val177Gly). This variant is not present in population databases (gnomAD no frequency). This missense change has been observed in individuals with Leigh syndrome (PMID: 16765830, 22488715, 33771987). Advanced modeling of protein sequence and biophysical properties (such as structural, functional, and spatial information, amino acid conservation, physicochemical variation, residue mobility, and thermodynamic stability) performed at Invitae indicates that this missense variant is expected to disrupt SURF1 protein function with a positive predictive value of 80%. In summary, the currently available evidence indicates that the variant is pathogenic, but additional data are needed to prove that conclusively. Therefore, this variant has been classified as Likely Pathogenic.

Literature cited by the submitters: PubMed 22488715 (cited by Women's Health and Genetics/Laboratory Corporation of America, LabCorp and Labcorp Genetics (formerly Invitae), Labcorp); PubMed 29933018 (cited by Women's Health and Genetics/Laboratory Corporation of America, LabCorp); PubMed 33771987 (cited by Women's Health and Genetics/Laboratory Corporation of America, LabCorp and Labcorp Genetics (formerly Invitae), Labcorp); PubMed 16765830 (cited by Women's Health and Genetics/Laboratory Corporation of America, LabCorp and Labcorp Genetics (formerly Invitae), Labcorp).

NM_003172.4(SURF1):c.530T>G (p.Val177Gly)

Gene: SURF1 (SURF1 cytochrome c oxidase assembly factor; minus strand). Cytogenetic location: 9q34.2.
Variant type: single nucleotide variant.
Coding change: c.530T>G on transcript NM_003172.4 (MANE Select); coding-DNA position 530, T replaced by G.
Protein change: p.Val177Gly; replaces valine 177 with glycine.
Molecular consequence: missense variant.
Genome position (GRCh38, 1-based): chr9:133,352,752, A>C on the plus strand (T>G on the coding strand, the complement: SURF1 is on the minus strand). VCF-style: chr9-133352752-A-C. GRCh37 (hg19) VCF-style: chr9-136219607-A-C.
Other names: c.203T>G, p.Val68Gly (NM_001280787.1); short protein forms V177G, V68G.
Identifiers: ClinVar variation 3336110 (VCV003336110.3).